The following is an entry in ClinVar:

ClinVar aggregate classification (germline): Uncertain significance. Review status: criteria provided, multiple submitters, no conflicts (2 of 4 stars). 6 submissions from 5 submitters: Uncertain significance (6). Last evaluated 2026-01-01.

Conditions:
SOS1-related disorder. Also called: SOS1-related condition.
RASopathy. Also called: Noonan spectrum disorder; rasopathies. Identifiers: Orphanet 536391, MedGen C5555857, MONDO:0021060.
Cardiovascular phenotype. Identifiers: MedGen CN230736.
Fibromatosis, gingival, 1 (GINGF1). Identifiers: Orphanet 2024, MedGen C4551558, MONDO:0007609, OMIM 135300.
Noonan syndrome 4 (NS4). Also called: NOONAN SYNDROME WITH PIGMENTED VILLONODULAR SYNOVITIS; SOS1-Related Noonan Syndrome. Identifiers: Orphanet 648, MedGen C1853120, MONDO:0012547, OMIM 610733.

gnomAD v4.1: 15 of 1,613,836 alleles (0.00093%); highest among the groups gnomAD compares: South Asian, 0.0033%; no homozygotes.

Submissions (6):

CeGaT Center for Human Genetics Tuebingen
Classification: Uncertain significance. Last evaluated: 2026-01-01. Review status: criteria provided, single submitter. Criteria: CeGaT Center For Human Genetics Tuebingen Variant Classification Criteria Version 2. Collection method: clinical testing. Allele origin: germline. Affected: yes. Observed: 2 variant alleles.

Labcorp Genetics (formerly Invitae), Labcorp
Classification: Uncertain significance for RASopathy. Last evaluated: 2025-05-01. Review status: criteria provided, single submitter. Criteria: Invitae Variant Classification Sherloc (09022015). Collection method: clinical testing. Allele origin: germline.
Comment: This sequence change replaces proline, which is neutral and non-polar, with serine, which is neutral and polar, at codon 1237 of the SOS1 protein (p.Pro1237Ser). This variant is present in population databases (rs371408734, gnomAD 0.006%). This variant has not been reported in the literature in individuals affected with SOS1-related conditions. ClinVar contains an entry for this variant (Variation ID: 1335388). Invitae Evidence Modeling of protein sequence and biophysical properties (such as structural, functional, and spatial information, amino acid conservation, physicochemical variation, residue mobility, and thermodynamic stability) has been performed for this missense variant. However, the output from this modeling did not meet the statistical confidence thresholds required to predict the impact of this variant on SOS1 protein function. In summary, the available evidence is currently insufficient to determine the role of this variant in disease. Therefore, it has been classified as a Variant of Uncertain Significance.

PreventionGenetics, part of Exact Sciences
Classification: Uncertain significance for SOS1-related condition. Last evaluated: 2023-06-01. Review status: criteria provided, single submitter. Criteria: ACMG Guidelines, 2015. Collection method: clinical testing. Allele origin: germline.
Comment: The SOS1 c.3709C>T variant is predicted to result in the amino acid substitution p.Pro1237Ser. To our knowledge, this variant has not been reported in the literature. This variant is reported in 0.0065% of alleles in individuals of South Asian descent in gnomAD. At this time, the clinical significance of this variant is uncertain due to the absence of conclusive functional and genetic evidence.

Ambry Genetics
Classification: Uncertain significance for Cardiovascular phenotype. Last evaluated: 2022-01-03. Review status: criteria provided, single submitter. Criteria: Ambry Variant Classification Scheme 2023. Collection method: clinical testing. Allele origin: germline.
Comment: The p.P1237S variant (also known as c.3709C>T), located in coding exon 23 of the SOS1 gene, results from a C to T substitution at nucleotide position 3709. The proline at codon 1237 is replaced by serine, an amino acid with similar properties. This amino acid position is highly conserved in available vertebrate species. In addition, the in silico prediction for this alteration is inconclusive. Since supporting evidence is limited at this time, the clinical significance of this alteration remains unclear.

Genome-Nilou Lab
Classification: Uncertain significance for Noonan syndrome 4. Review status: criteria provided, single submitter. Criteria: ACMG Guidelines, 2015. Collection method: clinical testing. Allele origin: germline.

Genome-Nilou Lab
Classification: Uncertain significance for Fibromatosis, gingival, 1. Review status: criteria provided, single submitter. Criteria: ACMG Guidelines, 2015. Collection method: clinical testing. Allele origin: germline.

NM_005633.4(SOS1):c.3709C>T (p.Pro1237Ser)

Gene: SOS1 (SOS Ras/Rac guanine nucleotide exchange factor 1; minus strand). Cytogenetic location: 2p22.1.
Variant type: single nucleotide variant.
Coding change: c.3709C>T on transcript NM_005633.4 (MANE Select); coding-DNA position 3709, C replaced by T.
Protein change: p.Pro1237Ser; replaces proline 1237 with serine.
Molecular consequence: missense variant.
Genome position (GRCh38, 1-based): chr2:38,986,117, G>A on the plus strand (C>T on the coding strand, the complement: SOS1 is on the minus strand). VCF-style: chr2-38986117-G-A. GRCh37 (hg19) VCF-style: chr2-39213258-G-A.
Other names: c.3688C>T, p.Pro1230Ser (NM_001382394.1); c.3664C>T, p.Pro1222Ser (NM_001382395.1); short protein forms P1222S, P1230S, P1237S.
Identifiers: ClinVar variation 1335388 (VCV001335388.43), dbSNP rs371408734, ClinGen allele CA1624124.
Genomic context (GRCh38, chr2:38,986,117, plus strand): 5'-TAAAGGGGGAAGGGCTGTTTGGGAAGAAGGCATTGCCATGGTCACTTTTTTTGCCCAAAG[G>A]GGGAGGTTGGAGATGTAGTGGTGAGCTTGAGAAAACATCAGGTGTCCTCACAGGTTCTCG-3'
Protein context (NP_005624.2, residues 1227-1247): SSSPLHLQPP[Pro1237Ser]LGKKSDHGNA